The following is an entry in ClinVar:

ClinVar aggregate classification (germline): Conflicting classifications of pathogenicity. Review status: criteria provided, conflicting classifications (1 of 4 stars). 6 submissions from 6 submitters: Uncertain significance (5); Likely benign (1). Last evaluated 2025-08-05.

Conditions:
TTN-related disorder. Also called: TTN-related condition; TTN-related disease; TTN-related disorders.
Cardiovascular phenotype. Identifiers: MedGen CN230736.
Dilated cardiomyopathy 1G (CMD1G). Identifiers: Orphanet 154, MedGen C1858763, MONDO:0011400, OMIM 604145.
Autosomal recessive limb-girdle muscular dystrophy type 2J (LGMDR10). Also called: Limb-girdle muscular dystrophy, type 2J; MUSCULAR DYSTROPHY, LIMB-GIRDLE, AUTOSOMAL RECESSIVE 10. Identifiers: Orphanet 140922, MedGen C1837342, MONDO:0012127, OMIM 608807.

Allele frequency attached by ClinVar (database versions not stated): ExAC 0.00003; gnomAD exomes 0.00003 and 0.00008; gnomAD 0.00004; TOPMed 0.00007.
gnomAD v4.1: 121 of 1,612,600 alleles (0.0075%); highest among the groups gnomAD compares: Non-Finnish European, 0.0095%; no homozygotes.

Submissions (6):

PreventionGenetics, part of Exact Sciences
Classification: Uncertain significance for TTN-related condition. Last evaluated: 2025-08-05. Review status: criteria provided, single submitter. Criteria: ACMG Guidelines, 2015. Collection method: clinical testing. Allele origin: germline.
Comment: The TTN c.1616T>A variant is predicted to result in the amino acid substitution p.Ile539Asn. To our knowledge, this variant has not been reported in the literature in individuals with TTN-related disorders. This variant is reported in 0.0062% of alleles in individuals of European (Non-Finnish) descent in gnomAD. At this time, the clinical significance of this variant is uncertain due to the absence of conclusive functional and genetic evidence.

Women's Health and Genetics/Laboratory Corporation of America, LabCorp
Classification: Uncertain significance. Last evaluated: 2025-02-10. Review status: criteria provided, single submitter. Criteria: LabCorp Variant Classification Summary - May 2015. Collection method: clinical testing. Allele origin: germline.

Revvity Omics, Revvity
Classification: Uncertain significance. Last evaluated: 2022-08-29. Review status: criteria provided, single submitter. Criteria: ACMG Guidelines, 2015. Collection method: clinical testing. Allele origin: germline.

Ambry Genetics
Classification: Uncertain significance for Cardiovascular phenotype. Last evaluated: 2018-04-24. Review status: criteria provided, single submitter. Criteria: Ambry Variant Classification Scheme 2023. Collection method: clinical testing. Allele origin: germline.
Comment: The p.I539N variant (also known as c.1616T>A), located in coding exon 9 of the TTN gene, results from a T to A substitution at nucleotide position 1616. The isoleucine at codon 539 is replaced by asparagine, an amino acid with dissimilar properties. This amino acid position is not well conserved in available vertebrate species. In addition, this alteration is predicted to be tolerated by in silico analysis. Since supporting evidence is limited at this time, the clinical significance of this alteration remains unclear.

GeneDx
Classification: Likely benign. Last evaluated: 2018-01-26. Review status: criteria provided, single submitter. Criteria: GeneDx Variant Classification (06012015). Collection method: clinical testing. Allele origin: germline. Affected: yes.
Comment: This variant is considered likely benign or benign based on one or more of the following criteria: it is a conservative change, it occurs at a poorly conserved position in the protein, it is predicted to be benign by multiple in silico algorithms, and/or has population frequency not consistent with disease.

Labcorp Genetics (formerly Invitae), Labcorp
Classification: Uncertain significance for Dilated cardiomyopathy 1G; Autosomal recessive limb-girdle muscular dystrophy type 2J. Last evaluated: 2017-11-07. Review status: criteria provided, single submitter. Criteria: Invitae Variant Classification Sherloc (09022015). Collection method: clinical testing. Allele origin: germline.

NM_001267550.2(TTN):c.1616T>A (p.Ile539Asn)

Gene: TTN (titin; minus strand). Cytogenetic location: 2q31.2.
Variant type: single nucleotide variant.
Coding change: c.1616T>A on transcript NM_001267550.2 (MANE Select); coding-DNA position 1616, T replaced by A.
Protein change: p.Ile539Asn; replaces isoleucine 539 with asparagine.
Molecular consequence: missense variant.
Genome position (GRCh38, 1-based): chr2:178,792,118, A>T on the plus strand (T>A on the coding strand, the complement: TTN is on the minus strand). VCF-style: chr2-178792118-A-T. GRCh37 (hg19) VCF-style: chr2-179656845-A-T.
Other names: p.I539N:ATT>AAT; c.1616T>A, p.Ile539Asn (NM_001256850.1, NM_003319.4, NM_133378.4 and 3 more transcripts); short protein forms I539N.
Identifiers: ClinVar variation 202607 (VCV000202607.10), dbSNP rs774503024, ClinGen allele CA309733.